The following is an entry in ClinVar:

NM_000350.3(ABCA4):c.3617del (p.Asn1206fs)

Genes: ABCA4 (ATP binding cassette subfamily A member 4; minus strand), LOC126805794 (BRD4-independent group 4 enhancer GRCh37_chr1:94502188-94503387; plus strand). Cytogenetic location: 1p22.1.
Variant type: Deletion.
Coding change: c.3617del on transcript NM_000350.3 (MANE Select); coding-DNA position 3617, one base deleted (A; older notation c.3617delA).
Protein change: p.Asn1206fs; shifts the reading frame from asparagine 1206.
Molecular consequence: frameshift variant.
Genome position (GRCh38, 1-based): chr1:94,037,341, T deleted on the plus strand (A on the coding strand, the reverse complement: ABCA4 is on the minus strand); the first of 3 consecutive T bases (chr1:94,037,341-94,037,343); deleting any one gives the same sequence. VCF-style (leftmost placement, unchanged base first): chr1-94037340-AT-A. GRCh37 (hg19) VCF-style: chr1-94502896-AT-A.
Other names: c.3393delA, p.Asn1132Metfs (NM_001425324.1); short protein forms N1206fs.
Identifiers: ClinVar variation 2076714 (VCV002076714.4), dbSNP rs1660368021, ClinGen allele CA1004561885.

ClinVar aggregate classification (germline): Pathogenic (1 of 4 stars; one submission).

Submission:

Labcorp Genetics (formerly Invitae), Labcorp
Classification: Pathogenic. Last evaluated: 2022-01-07. Review status: criteria provided, single submitter. Criteria: Invitae Variant Classification Sherloc (09022015). Collection method: clinical testing. Allele origin: germline.
Comment: For these reasons, this variant has been classified as Pathogenic. This variant has not been reported in the literature in individuals affected with ABCA4-related conditions. This variant is not present in population databases (gnomAD no frequency). This sequence change creates a premature translational stop signal (p.Asn1206Metfs*3) in the ABCA4 gene. It is expected to result in an absent or disrupted protein product. Loss-of-function variants in ABCA4 are known to be pathogenic (PMID: 10958761, 24938718, 25312043, 26780318).

Literature cited by the submitters: PubMed 10958761; PubMed 24938718; PubMed 25312043; PubMed 26780318.